The following is an entry in ClinVar:

ClinVar aggregate classification (germline): Uncertain significance. Review status: criteria provided, multiple submitters, no conflicts (2 of 4 stars). 2 submissions from 2 submitters: Uncertain significance (2). Last evaluated 2026-01-21.

Conditions:
Aldosterone-producing adenoma with seizures and neurological abnormalities. Also called: Primary aldosteronism, seizures, and neurologic abnormalities. Identifiers: Orphanet 369929, MedGen C3809609, MONDO:0014200, OMIM 615474.

gnomAD v4.1: 1 of 1,612,752 alleles (0.000062%); highest among the groups gnomAD compares: Non-Finnish European, 0.000085%; no homozygotes.

Submissions (2):

Victorian Clinical Genetics Services, Murdoch Childrens Research Institute
Classification: Uncertain significance for Aldosterone-producing adenoma with seizures and neurological abnormalities. Last evaluated: 2026-01-21. Review status: criteria provided, single submitter. Criteria: ACMG Guidelines, 2015. Collection method: clinical testing. Allele origin: germline. Affected: yes.
Comment: This variant is classified as VUS-3B. Evidence in support of pathogenic classification: Variant is present in gnomAD <0.01 (v4: 1 heterozygote(s), 0 homozygote(s)); This variant has moderate previous evidence of pathogenicity in unrelated individuals. This variant has been reported once as de novo in a cohort of individuals with autism spectrum disorder (PMID: 31838722); Missense variant predicted to be damaging by in silico tool(s) or highly conserved with a major amino acid change. Additional information: Variant is predicted to result in a missense amino acid change from Thr to Met; This variant is heterozygous; This gene is associated with both recessive and dominant disease. Missense variants with a gain of function mechanism in the brain-specific isoform, and loss of function in the cardiac-specific isoform, results in dominant disease. Loss of function variants (presumably in both isoforms) cause recessive disease (PMID: 36430690, PMID: 30054272); No published evidence of segregation with disease has been identified for this variant; No published functional evidence has been identified for this variant; No comparable missense variants have previous evidence for pathogenicity; Variant is located in the annotated S5-S6 pore loop of repeat IV ion transporter domain (DECIPHER, PMID: 32583268); Loss- and gain of function are known mechanisms of disease in this gene and are associated with sinoatrial node dysfunction and deafness (MIM#614896) and primary aldosteronism, seizures, and neurologic abnormalities (MIM#615474), respectively (PMID: 36430690, PMID: 30054272).

Labcorp Genetics (formerly Invitae), Labcorp
Classification: Uncertain significance. Last evaluated: 2025-09-23. Review status: criteria provided, single submitter. Criteria: Invitae Variant Classification Sherloc (09022015). Collection method: clinical testing. Allele origin: germline.
Comment: This sequence change replaces threonine, which is neutral and polar, with methionine, which is neutral and non-polar, at codon 1411 of the CACNA1D protein (p.Thr1411Met). This variant is not present in population databases (gnomAD no frequency). This missense change has been observed in individual(s) with autism spectrum disorder (PMID: 31838722). Invitae Evidence Modeling of protein sequence and biophysical properties (such as structural, functional, and spatial information, amino acid conservation, physicochemical variation, residue mobility, and thermodynamic stability) indicates that this missense variant is expected to disrupt CACNA1D protein function with a positive predictive value of 80%. In summary, the available evidence is currently insufficient to determine the role of this variant in disease. Therefore, it has been classified as a Variant of Uncertain Significance.

Literature cited by the submitters: PubMed 30054272 (cited by Victorian Clinical Genetics Services, Murdoch Childrens Research Institute); PubMed 31838722 (cited by Victorian Clinical Genetics Services, Murdoch Childrens Research Institute and Labcorp Genetics (formerly Invitae), Labcorp); PubMed 32583268 (cited by Victorian Clinical Genetics Services, Murdoch Childrens Research Institute); PubMed 36430690 (cited by Victorian Clinical Genetics Services, Murdoch Childrens Research Institute).

NM_001128840.3(CACNA1D):c.4172C>T (p.Thr1391Met)

Gene: CACNA1D (calcium voltage-gated channel subunit alpha1 D; plus strand). Cytogenetic location: 3p21.1.
Variant type: single nucleotide variant.
Coding change: c.4172C>T on transcript NM_001128840.3 (MANE Select); coding-DNA position 4172, C replaced by T.
Protein change: p.Thr1391Met; replaces threonine 1391 with methionine.
Molecular consequence: missense variant.
Genome position (GRCh38, 1-based): chr3:53,774,648, C>T. VCF-style: chr3-53774648-C-T. GRCh37 (hg19) VCF-style: chr3-53808675-C-T.
Other names: c.4232C>T, p.Thr1411Met (NM_000720.4); c.4127C>T, p.Thr1376Met (NM_001128839.3); short protein forms T1376M, T1411M, T1391M.
Identifiers: ClinVar variation 4694667 (VCV004694667.2).
Genomic context (GRCh38, chr3:53,774,648, plus strand): 5'-TGTTTGGGAAAGTTGCCATGAGAGATAACAACCAGATCAATAGGAACAATAACTTCCAGA[C>T]GTTTCCCCAGGCGGTGCTGCTGCTCTTCAGGTGACTGCAACTGGCTTGGGCGGTGCTCCT-3'
Protein context (NP_001122312.1, residues 1381-1401): NQINRNNNFQ[Thr1391Met]FPQAVLLLFR